The following is an entry in ClinVar:

ClinVar aggregate classification (germline): Uncertain significance. Review status: criteria provided, multiple submitters, no conflicts (2 of 4 stars). 2 submissions from 2 submitters: Uncertain significance (2). Last evaluated 2024-04-26.

Submissions (2):

GeneDx
Classification: Uncertain significance. Last evaluated: 2024-04-26. Review status: criteria provided, single submitter. Criteria: GeneDx Variant Classification Process June 2021. Collection method: clinical testing. Allele origin: germline. Affected: yes.
Comment: Not observed at significant frequency in large population cohorts (gnomAD); In-silico analysis is inconclusive as to whether the variant impacts protein structure/function. In the absence of functional studies, the actual effect of this sequence change is unknown; Has not been previously published as pathogenic or benign to our knowledge

Labcorp Genetics (formerly Invitae), Labcorp
Classification: Uncertain significance. Last evaluated: 2023-11-11. Review status: criteria provided, single submitter. Criteria: Invitae Variant Classification Sherloc (09022015). Collection method: clinical testing. Allele origin: germline.
Comment: This sequence change replaces methionine, which is neutral and non-polar, with arginine, which is basic and polar, at codon 288 of the MAGEL2 protein (p.Met288Arg). This variant is not present in population databases (gnomAD no frequency). This variant has not been reported in the literature in individuals affected with MAGEL2-related conditions. Experimental studies and prediction algorithms are not available or were not evaluated, and the functional significance of this variant is currently unknown. In summary, the available evidence is currently insufficient to determine the role of this variant in disease. Therefore, it has been classified as a Variant of Uncertain Significance.

NM_019066.5(MAGEL2):c.863T>G (p.Met288Arg)

Gene: MAGEL2 (MAGE family member L2; minus strand). Cytogenetic location: 15q11.2.
Variant type: single nucleotide variant.
Coding change: c.863T>G on transcript NM_019066.5 (MANE Select); coding-DNA position 863, T replaced by G.
Protein change: p.Met288Arg; replaces methionine 288 with arginine.
Molecular consequence: missense variant.
Genome position (GRCh38, 1-based): chr15:23,646,880, A>C on the plus strand (T>G on the coding strand, the complement: MAGEL2 is on the minus strand). VCF-style: chr15-23646880-A-C. GRCh37 (hg19) VCF-style: chr15-23892027-A-C.
Other names: c.863T>G (NM_019066.4); short protein forms M288R.
Identifiers: ClinVar variation 2797856 (VCV002797856.4), dbSNP rs2503982908, ClinGen allele CA391335669.